The following is an entry in ClinVar:

ClinVar aggregate classification (germline): Uncertain significance. Review status: criteria provided, multiple submitters, no conflicts (2 of 4 stars). 5 submissions from 5 submitters: Uncertain significance (5). Last evaluated 2025-07-09.

Conditions:
Cardiovascular phenotype. Identifiers: MedGen CN230736.
Cardiomyopathy (CMYO). Also called: Cardiomyopathies. Identifiers: Orphanet 167848, MedGen C0878544, MONDO:0004994, HP:0001638. Inheritance: Various modes of inheritance.
Desmin-related myofibrillar myopathy (MFM1). Also called: Desminopathy; Desmin related myopathy (former name); Desmin storage myopathy (former name); Myofibrillar myopathy 1; MYOFIBRILLAR MYOPATHY WITH ARRHYTHMOGENIC RIGHT VENTRICULAR CARDIOMYOPATHY; DESMIN-RELATED MYOPATHY WITH ARRHYTHMOGENIC RIGHT VENTRICULAR CARDIOMYOPATHY. Identifiers: Orphanet 363543, Orphanet 98909, MedGen C1832370, MONDO:0011076, OMIM 601419.

Allele frequency attached by ClinVar (database versions not stated): TOPMed 0.00001.
gnomAD v4.1: 19 of 1,548,146 alleles (0.0012%); highest among the groups gnomAD compares: Non-Finnish European, 0.0016%; no homozygotes.

Submissions (5):

Women's Health and Genetics/Laboratory Corporation of America, LabCorp
Classification: Uncertain significance. Last evaluated: 2025-07-09. Review status: criteria provided, single submitter. Criteria: LabCorp Variant Classification Summary - May 2015. Collection method: clinical testing. Allele origin: germline.

Labcorp Genetics (formerly Invitae), Labcorp
Classification: Uncertain significance for Desmin-related myofibrillar myopathy. Last evaluated: 2025-02-06. Review status: criteria provided, single submitter. Criteria: Invitae Variant Classification Sherloc (09022015). Collection method: clinical testing. Allele origin: germline.
Comment: This sequence change replaces aspartic acid, which is acidic and polar, with histidine, which is basic and polar, at codon 181 of the DES protein (p.Asp181His). This variant is not present in population databases (gnomAD no frequency). This variant has not been reported in the literature in individuals affected with DES-related conditions. ClinVar contains an entry for this variant (Variation ID: 474289). Invitae Evidence Modeling of protein sequence and biophysical properties (such as structural, functional, and spatial information, amino acid conservation, physicochemical variation, residue mobility, and thermodynamic stability) has been performed for this missense variant. However, the output from this modeling did not meet the statistical confidence thresholds required to predict the impact of this variant on DES protein function. In summary, the available evidence is currently insufficient to determine the role of this variant in disease. Therefore, it has been classified as a Variant of Uncertain Significance.

Ambry Genetics
Classification: Uncertain significance for Cardiovascular phenotype. Last evaluated: 2024-04-22. Review status: criteria provided, single submitter. Criteria: Ambry Variant Classification Scheme 2023. Collection method: clinical testing. Allele origin: germline.

AiLife Diagnostics
Classification: Uncertain significance. Last evaluated: 2021-11-12. Review status: criteria provided, single submitter. Criteria: ACMG Guidelines, 2015. Collection method: clinical testing. Allele origin: germline. Affected: yes. Observed: 2 variant alleles.

CHEO Genetics Diagnostic Laboratory, Children's Hospital of Eastern Ontario
Classification: Uncertain significance for Cardiomyopathy. Last evaluated: 2017-11-20. Review status: criteria provided, single submitter. Criteria: ACMG Guidelines, 2015. Collection method: clinical testing. Allele origin: germline.

NM_001927.4(DES):c.541G>C (p.Asp181His)

Gene: DES (desmin; plus strand). Cytogenetic location: 2q35.
Variant type: single nucleotide variant.
Coding change: c.541G>C on transcript NM_001927.4 (MANE Select); coding-DNA position 541, G replaced by C.
Protein change: p.Asp181His; replaces aspartic acid 181 with histidine.
Molecular consequence: missense variant.
Genome position (GRCh38, 1-based): chr2:219,419,003, G>C. VCF-style: chr2-219419003-G-C. GRCh37 (hg19) VCF-style: chr2-220283725-G-C.
Other names: c.541G>C (LRG_380t1); short protein forms D181H.
Identifiers: ClinVar variation 474289 (VCV000474289.17), dbSNP rs1297244198, ClinGen allele CA350686999.